The following is an entry in ClinVar:

NM_178857.6(RP1L1):c.41G>A (p.Arg14His)

Gene: RP1L1 (RP1 like 1). Cytogenetic location: 8p23.1.
Variant type: single nucleotide variant.
Coding change: c.41G>A on transcript NM_178857.6 (MANE Select); coding-DNA position 41, G replaced by A.
Protein change: p.Arg14His; replaces arginine 14 with histidine.
Molecular consequence: missense variant.
Genome position (GRCh38, 1-based): chr8:10,623,161, C>T on the plus strand (G>A on the coding strand, the complement: RP1L1 is on the minus strand). VCF-style: chr8-10623161-C-T. GRCh37 (hg19) VCF-style: chr8-10480671-C-T.
Other names: c.41G>A (NM_178857.5); short protein forms R14H.
Identifiers: ClinVar variation 1422788 (VCV001422788.8), dbSNP rs544332270, ClinGen allele CA4625906.

ClinVar aggregate classification (germline): Uncertain significance. Review status: criteria provided, multiple submitters, no conflicts (2 of 4 stars). 3 submissions from 3 submitters: Uncertain significance (3). Last evaluated 2026-06-18.

Conditions:
RP1L1-related disorder. Also called: RP1L1-related condition.

Allele frequency attached by ClinVar (database versions not stated): 1000 Genomes Project 0.00020; 1000 Genomes Project 30x 0.00031.

Submissions (3):

PreventionGenetics, part of Exact Sciences
Classification: Uncertain significance for RP1L1-related condition. Last evaluated: 2026-06-18. Review status: criteria provided, single submitter. Criteria: ACMG Guidelines, 2015. Collection method: clinical testing. Allele origin: germline.
Comment: The RP1L1 c.41G>A variant is predicted to result in the amino acid substitution p.Arg14His. To our knowledge, this variant has not been reported in the literature. This variant is reported in 0.011% of alleles in individuals of European (Non-Finnish) descent in gnomAD. At this time, the clinical significance of this variant is uncertain due to the absence of conclusive functional and genetic evidence.

Labcorp Genetics (formerly Invitae), Labcorp
Classification: Uncertain significance. Last evaluated: 2025-11-03. Review status: criteria provided, single submitter. Criteria: Invitae Variant Classification Sherloc (09022015). Collection method: clinical testing. Allele origin: germline.
Comment: This sequence change replaces arginine, which is basic and polar, with histidine, which is basic and polar, at codon 14 of the RP1L1 protein (p.Arg14His). This variant is present in population databases (rs544332270, gnomAD 0.009%). This variant has not been reported in the literature in individuals affected with RP1L1-related conditions. ClinVar contains an entry for this variant (Variation ID: 1422788). Invitae Evidence Modeling of protein sequence and biophysical properties (such as structural, functional, and spatial information, amino acid conservation, physicochemical variation, residue mobility, and thermodynamic stability) indicates that this missense variant is not expected to disrupt RP1L1 protein function with a negative predictive value of 80%. In summary, the available evidence is currently insufficient to determine the role of this variant in disease. Therefore, it has been classified as a Variant of Uncertain Significance.

Blueprint Genetics
Classification: Uncertain significance. Last evaluated: 2024-09-19. Review status: criteria provided, single submitter. Criteria: ACMG Guidelines, 2015. Collection method: clinical testing. Allele origin: germline.